The following is an entry in ClinVar:

NM_000548.5(TSC2):c.2712C>G (p.Phe904Leu)

Gene: TSC2 (TSC complex subunit 2; plus strand). Cytogenetic location: 16p13.3.
Variant type: single nucleotide variant.
Coding change: c.2712C>G on transcript NM_000548.5 (MANE Select); coding-DNA position 2712, C replaced by G.
Protein change: p.Phe904Leu; replaces phenylalanine 904 with leucine.
Molecular consequence: missense variant.
Genome position (GRCh38, 1-based): chr16:2,076,140, C>G. VCF-style: chr16-2076140-C-G. GRCh37 (hg19) VCF-style: chr16-2126141-C-G.
Other names: p.F904L:TTC>TTG; c.2712C>G (NM_000548.4); c.2712C>G, p.Phe904Leu (NM_001077183.3, NM_001114382.3, NM_001363528.2 and 3 more transcripts); c.2601C>G, p.Phe867Leu (NM_001318827.2); c.2565C>G, p.Phe855Leu (NM_001318829.2); c.2112C>G, p.Phe704Leu (NM_001318831.2); c.2745C>G, p.Phe915Leu (NM_001318832.2); short protein forms F904L, F915L, F855L, F867L, F704L.
Identifiers: ClinVar variation 207673 (VCV000207673.26), dbSNP rs137920189, ClinGen allele CA041007.

ClinVar aggregate classification (germline): Conflicting classifications of pathogenicity. Review status: criteria provided, conflicting classifications (1 of 4 stars). 11 submissions from 11 submitters: Uncertain significance (3); Benign (1); Likely benign (6). 1 of the submissions does not count toward it. Last evaluated 2026-01-25.

Conditions:
TSC2-related disorder. Also called: TSC2-Related Disorders; TSC2-related condition.
Hereditary cancer-predisposing syndrome. Also called: Neoplastic Syndromes, Hereditary; Hereditary Cancer Syndrome; Tumor predisposition; Hereditary neoplastic syndrome. Identifiers: Orphanet 140162, MedGen C0027672, MeSH D009386, MONDO:0015356.
Tuberous sclerosis syndrome (TSC). Also called: Tuberous Sclerosis Complex; Tuberous sclerosis. Identifiers: Orphanet 805, MedGen C0041341, MONDO:0001734.
Tuberous sclerosis 2 (TSC2). Identifiers: Orphanet 805, MedGen C1860707, MONDO:0013199, OMIM 613254.

Allele frequency attached by ClinVar (database versions not stated): ESP Exome Variant Server 0.00008; TOPMed 0.00018; gnomAD 0.00022.
gnomAD v4.1: 255 of 1,613,750 alleles (0.016%); highest among the groups gnomAD compares: Non-Finnish European, 0.021%; no homozygotes.

Submissions (11):

Labcorp Genetics (formerly Invitae), Labcorp
Classification: Benign for Tuberous sclerosis 2. Last evaluated: 2026-01-25. Review status: criteria provided, single submitter. Criteria: Invitae Variant Classification Sherloc (09022015). Collection method: clinical testing. Allele origin: germline.

Myriad Genetics, Inc.
Classification: Likely benign for Tuberous sclerosis 2. Last evaluated: 2025-05-21. Review status: criteria provided, single submitter. Criteria: Myriad Autosomal Dominant, Autosomal Recessive and X-Linked Classification Criteria (2023). Collection method: clinical testing. Allele origin: unknown.
Comment: This variant is considered likely benign. This variant has been observed at a population frequency that is significantly greater than expected given the associated disease prevalence and penetrance.

Clinical Genomics Laboratory, Washington University in St. Louis
Classification: Uncertain significance for Tuberous sclerosis 2. Last evaluated: 2025-02-27. Review status: criteria provided, single submitter. Criteria: ACMG Guidelines, 2015. Collection method: clinical testing. Allele origin: germline.
Comment: A TSC2 c.2712C>G (p.Phe904Leu) variant was identified at a near heterozygous allelic fraction of 47.5%, a frequency which may be consistent with germline origin. This variant has been identified in a family with hereditary breast and ovarian cancer and in a individual with a cervical tumor ((Feliubadaló L et al., PMID: 28050010; Mirkovic J et al., PMID: 26336887). It has been reported in the ClinVar database as a germline variant of uncertain significance by one submitter and a germline likely benign/benign variant by five submitters (ClinVar variation ID: 207673). It is observed on 255/1,613,750 alleles in the general population (gnomAD v.4.1.0). Computational predictors are uncertain as to the impact of this variant on TSC2 function. Due to limited information, and based on ACMG/AMP guidelines for variant interpretation (Richards S et al., PMID: 25741868), the clinical significance of this variant is uncertain at this time.

Blueprint Genetics
Classification: Likely benign. Last evaluated: 2024-09-21. Review status: criteria provided, single submitter. Criteria: ACMG Guidelines, 2015. Collection method: clinical testing. Allele origin: germline.

Color Diagnostics, LLC DBA Color Health
Classification: Uncertain significance for Tuberous sclerosis syndrome. Last evaluated: 2024-04-24. Review status: criteria provided, single submitter. Criteria: ACMG Guidelines, 2015. Collection method: clinical testing. Allele origin: germline.
Comment: This missense variant replaces phenylalanine with leucine at codon 904 of the TSC2 protein. Computational prediction is inconclusive regarding the impact of this variant on protein structure and function. To our knowledge, functional studies have not been reported for this variant. This variant has not been reported in individuals affected with TSC2-related disorders in the literature. This variant has been identified in 30/282188 chromosomes in the general population by the Genome Aggregation Database (gnomAD). The available evidence is insufficient to determine the role of this variant in disease conclusively. Therefore, this variant is classified as a Variant of Uncertain Significance.

Genome-Nilou Lab
Classification: Likely benign for Tuberous sclerosis 2. Last evaluated: 2021-11-07. Review status: criteria provided, single submitter. Criteria: ACMG Guidelines, 2015. Collection method: clinical testing. Allele origin: germline. Affected: no.

Sema4
Classification: Likely benign for Hereditary cancer-predisposing syndrome. Last evaluated: 2020-11-10. Review status: criteria provided, single submitter. Criteria: Sema4 Curation Guidelines. Collection method: curation. Allele origin: germline.

GeneDx
Classification: Likely benign. Last evaluated: 2020-06-09. Review status: criteria provided, single submitter. Criteria: GeneDx Variant Classification Process June 2021. Collection method: clinical testing. Allele origin: germline. Affected: yes.
Comment: This variant is associated with the following publications: (PMID: 28050010, 26336887, 24631838)

Ambry Genetics
Classification: Likely benign for Hereditary cancer-predisposing syndrome. Last evaluated: 2018-10-19. Review status: criteria provided, single submitter. Criteria: Ambry Variant Classification Scheme 2023. Collection method: clinical testing. Allele origin: germline.

Genomic Diagnostic Laboratory, Division of Genomic Diagnostics, Children's Hospital of Philadelphia
Classification: Uncertain significance for Tuberous sclerosis 2. Last evaluated: 2015-06-25. Review status: criteria provided, single submitter. Criteria: DGD Variant Analysis Guidelines. Collection method: clinical testing. Allele origin: unknown.

PreventionGenetics, part of Exact Sciences
Classification: Likely benign for TSC2-related condition. Last evaluated: 2023-04-25. Review status: no assertion criteria provided. Collection method: clinical testing. Allele origin: germline. Not counted in ClinVar's aggregate classification.
Comment: This variant is classified as likely benign based on ACMG/AMP sequence variant interpretation guidelines (Richards et al. 2015 PMID: 25741868, with internal and published modifications).